The following is an entry in ClinVar:

NM_001367534.1(CAMK2G):c.918G>A (p.Thr306=)

Gene: CAMK2G (calcium/calmodulin dependent protein kinase II gamma; minus strand). Cytogenetic location: 10q22.2.
Variant type: single nucleotide variant.
Coding change: c.918G>A on transcript NM_001367534.1 (MANE Select); coding-DNA position 918, G replaced by A.
Protein change: p.Thr306=; no amino-acid change (threonine 306 retained).
Molecular consequence: synonymous variant. On other transcripts: non-coding transcript variant (8).
Genome position (GRCh38, 1-based): chr10:73,842,197, C>T on the plus strand (G>A on the coding strand, the complement: CAMK2G is on the minus strand). VCF-style: chr10-73842197-C-T. GRCh37 (hg19) VCF-style: chr10-75601955-C-T.
Other names: c.918G>A, p.Thr306= (NM_001204492.2, NM_001222.4, NM_001320898.2 and 28 more transcripts); c.894G>A, p.Thr298= (NM_001367514.1, NM_001367525.1, NM_001367532.1); c.672G>A, p.Thr224= (NM_001367524.1, NM_001367539.1); c.606G>A, p.Thr202= (NM_001367537.1, NM_001367538.1); c.252G>A, p.Thr84= (NM_001367540.1); c.165G>A, p.Thr55= (NM_001367542.1).
Identifiers: ClinVar variation 3034327 (VCV003034327.2), dbSNP rs200585413, ClinGen allele CA5561924.

ClinVar aggregate classification (germline): Likely benign (0 of 4 stars; one submission).

Conditions:
CAMK2G-related disorder. Also called: CAMK2G-related condition.

Allele frequency attached by ClinVar (database versions not stated): TOPMed 0.00002; ExAC 0.00005; gnomAD 0.00006.
gnomAD v4.1: 101 of 1,612,640 alleles (0.0063%); highest among the groups gnomAD compares: Non-Finnish European, 0.0077%; 1 homozygote.

Submission:

PreventionGenetics, part of Exact Sciences
Classification: Likely benign for CAMK2G-related condition. Last evaluated: 2019-06-13. Review status: no assertion criteria provided. Collection method: clinical testing. Allele origin: germline.
Comment: This variant is classified as likely benign based on ACMG/AMP sequence variant interpretation guidelines (Richards et al. 2015 PMID: 25741868, with internal and published modifications).